The following is an entry in ClinVar:

NM_022437.3(ABCG8):c.1214G>T (p.Arg405Leu)

Gene: ABCG8 (ATP binding cassette subfamily G member 8; plus strand). Cytogenetic location: 2p21.
Variant type: single nucleotide variant.
Coding change: c.1214G>T on transcript NM_022437.3 (MANE Select); coding-DNA position 1214, G replaced by T.
Protein change: p.Arg405Leu; replaces arginine 405 with leucine.
Molecular consequence: missense variant.
Genome position (GRCh38, 1-based): chr2:43,873,789, G>T. VCF-style: chr2-43873789-G-T. GRCh37 (hg19) VCF-style: chr2-44100928-G-T.
Other names: c.1211G>T, p.Arg404Leu (NM_001357321.2); short protein forms R404L, R405L.
Identifiers: ClinVar variation 2585889 (VCV002585889.2), dbSNP rs1177309800, ClinGen allele CA346669228.

ClinVar aggregate classification (germline): Uncertain significance (1 of 4 stars; one submission).

Conditions:
Cardiovascular phenotype. Identifiers: MedGen CN230736.

gnomAD v4.1: 3 of 1,614,006 alleles (0.00019%); highest among the groups gnomAD compares: Non-Finnish European, 0.00025%; no homozygotes.

Submission:

Ambry Genetics
Classification: Uncertain significance for Cardiovascular phenotype. Last evaluated: 2023-08-13. Review status: criteria provided, single submitter. Criteria: Ambry Variant Classification Scheme 2023. Collection method: clinical testing. Allele origin: germline.
Comment: The p.R405L variant (also known as c.1214G>T), located in coding exon 9 of the ABCG8 gene, results from a G to T substitution at nucleotide position 1214. The arginine at codon 405 is replaced by leucine, an amino acid with dissimilar properties. This amino acid position is conserved. In addition, this alteration is predicted to be deleterious by in silico analysis. Since supporting evidence is limited at this time, the clinical significance of this alteration remains unclear.